The following is an entry in ClinVar:

NM_001379286.1(ZNF423):c.99A>G (p.Ala33=)

Gene: ZNF423 (zinc finger protein 423; minus strand). Cytogenetic location: 16q12.1.
Variant type: single nucleotide variant.
Coding change: c.99A>G on transcript NM_001379286.1 (MANE Select); coding-DNA position 99, A replaced by G.
Protein change: p.Ala33=; no amino-acid change (alanine 33 retained).
Molecular consequence: synonymous variant. On other transcripts: 5 prime UTR variant (1).
Genome position (GRCh38, 1-based): chr16:49,789,488, T>C on the plus strand (A>G on the coding strand, the complement: ZNF423 is on the minus strand). VCF-style: chr16-49789488-T-C. GRCh37 (hg19) VCF-style: chr16-49823399-T-C.
Other names: c.-106A>G (NM_001271620.2); c.75A>G, p.Ala25= (NM_015069.5).
Identifiers: ClinVar variation 2063187 (VCV002063187.4), dbSNP rs201984625, ClinGen allele CA8046974.
Genomic context (GRCh38, chr16:49,789,488, plus strand): 5'-GTTCCTGGGCCAGCCCCCAGGACCCCCTGCAACTCTTCCACCAGCCCCCGGGCATTTACC[T>C]GCTGCTGTCACGGAGGAATCCCAGGCCAGCGAGAAGTCTGAGGCCTCCCCCTCTTCAACT-3'
Protein context (NP_001366215.1, residues 23-43): SLAWDSSVTA[Ala33=]GGLEGEPECD

ClinVar aggregate classification (germline): Uncertain significance (1 of 4 stars; one submission).

Conditions:
Nephronophthisis 14 (NPHP14). Identifiers: Orphanet 2318, MedGen C3539071, MONDO:0013916, OMIM 614844.

Allele frequency attached by ClinVar (database versions not stated): ExAC 0.00001.
gnomAD v4.1: 28 of 1,612,064 alleles (0.0017%); highest among the groups gnomAD compares: Non-Finnish European, 0.0022%; no homozygotes.

Submission:

Labcorp Genetics (formerly Invitae), Labcorp
Classification: Uncertain significance for Nephronophthisis 14. Last evaluated: 2022-01-27. Review status: criteria provided, single submitter. Criteria: Invitae Variant Classification Sherloc (09022015). Collection method: clinical testing. Allele origin: germline.
Comment: This sequence change affects codon 25 of the ZNF423 mRNA. It is a 'silent' change, meaning that it does not change the encoded amino acid sequence of the ZNF423 protein. It affects a nucleotide within the consensus splice site. This variant is present in population databases (rs201984625, gnomAD 0.002%). This variant has not been reported in the literature in individuals affected with ZNF423-related conditions. Algorithms developed to predict the effect of sequence changes on RNA splicing suggest that this variant may disrupt the consensus splice site. In summary, the available evidence is currently insufficient to determine the role of this variant in disease. Therefore, it has been classified as a Variant of Uncertain Significance.